The following continues an entry in ClinVar:

NM_001360.3(DHCR7):c.452G>A (p.Trp151Ter)

Gene: DHCR7. ClinVar aggregate classification (germline): Pathogenic/Likely pathogenic. Pathogenic (44); Likely pathogenic (1).

Submissions 33 to 49 of 49:

Institute of Human Genetics Munich, TUM University Hospital
Classification: Pathogenic for Smith-Lemli-Opitz syndrome. Last evaluated: 2017-11-08. Review status: criteria provided, single submitter. Criteria: Classification criteria August 2017. Collection method: clinical testing. Allele origin: germline. Inheritance: Autosomal recessive inheritance. Affected: yes. Observed: 1 compound heterozygote.

Center for Pediatric Genomic Medicine, Children's Mercy Hospital and Clinics
Classification: Pathogenic. Last evaluated: 2017-09-19. Review status: criteria provided, single submitter. Criteria: ACMG Guidelines, 2015. Collection method: clinical testing. Allele origin: germline.

Genome Diagnostics Laboratory, University Medical Center Utrecht
Classification: Pathogenic for Smith-Lemli-Opitz syndrome. Last evaluated: 2017-07-28. Review status: criteria provided, single submitter. Criteria: ACGS Guidelines, 2013. Collection method: clinical testing. Allele origin: germline. Affected: yes. Study: VKGL Data-share Consensus.

Eurofins Ntd Llc (ga)
Classification: Pathogenic. Last evaluated: 2017-06-13. Review status: criteria provided, single submitter. Criteria: EGL Classification Definitions. Collection method: clinical testing. Allele origin: germline. Observed: 7 variant alleles, 7 heterozygotes.

Clinical Genetics DNA and cytogenetics Diagnostics Lab, Erasmus MC, Erasmus Medical Center
Classification: Pathogenic for Smith-Lemli-Opitz syndrome. Last evaluated: 2016-10-05. Review status: criteria provided, single submitter. Criteria: ACGS Guidelines, 2013. Collection method: clinical testing. Allele origin: germline. Affected: yes. Study: VKGL Data-share Consensus.

Women's Health and Genetics/Laboratory Corporation of America, LabCorp
Classification: Pathogenic for Smith-Lemli-Opitz syndrome. Last evaluated: 2016-06-25. Review status: criteria provided, single submitter. Criteria: LabCorp Variant Classification Summary - May 2015. Collection method: clinical testing. Allele origin: germline.
Comment: Variant summary: The DHCR7 c.452G>A (p.Trp151X) variant results in a premature termination codon, predicted to cause a absent DHCR7 protein due to nonsense mediated decay, which is known mechanisms for disease. This prediction has been confirmed by a study using DNA and RNA level analysis which showed that mRNA derived from blood leukocytes carrying the variant of interest lacks the p. Trp151 * allele (Balogh_MS_2012). This variant was found in 82/120858 control chromosomes at a frequency of 0.0006785, which does not exceed the estimated maximal expected allele frequency of a pathogenic DHCR7 variant (0.0043301). It was reported in several SLOS patients in either homozygosity or compound heterozygosity with other pathogenic DHCR7 alleles indicating pathogenicity. Moreover, several clinical diagnostic laboratories classify variant as pathogenic. The variant is one of the most common SLOS-causing mutations with prevalence amongst affected individuals ranging from 2.3% to 50% deepening on the population studied. Taken together, this variant is classified as pathogenic.

Illumina Laboratory Services, Illumina
Classification: Pathogenic for Smith-Lemli-Opitz Syndrome. Last evaluated: 2016-06-14. Review status: criteria provided, single submitter. Criteria: ICSL Variant Classification 20161018. Collection method: clinical testing. Allele origin: germline.
Comment: The c.452G>A (p.Trp151Ter) variant is a well-described, common stop-gained variant that accounts for 6.0% of variant DHCR7 alleles (Correa-Cerro et al. 2005a; Nowaczyk et al. 2013). Across a selection of the available literature, the p.Trp151Ter variant has been identified in at least 62 patients with Smith-Lemli-Opitz syndrome, including eight in a homozygous state and 54 in a compound heterozygous state. The p.Trp151Ter variant was also identified in a heterozygous state in 39 unaffected Polish neonates (Fitzky et al. 1998; Witsch-Baumgartner et al. 2000; Krakowiak et al. 2000; LÃ¶ffler et al. 2000; Witsch-Baumgartner et al. 2001; Ciara et al. 2004; Correa-Cerro et al. 2005; Ciara et al. 2006; KolejÃ¡kovÃ¡ et al. 2009). The p.Trp151Ter variant was absent from 80 control individuals but is reported at a frequency of 0.00116 in the European (Non-Finnish) population of the Exome Aggregation Consortium. Functional studies demonstrated an absence of protein and no enzyme activity in HEK cells transfected with the variant (Witsch-Baumgartner et al. 2000). Correa-Cerro et al. (2005b) demonstrated that the p.Trp151Ter variant undergoes nonsense mediated decay. Haplotype analysis indicates the p.Trp151Ter variant occurs on three related haplotypes and appears to have originated in southern Poland (Witsch-Baumgartner et al. 2001; Correa-Cerro et al 2005a). Due to the potential impact of stop-gained variants and the supporting evidence from the literature, the p.Trp151Ter variant is classified as pathogenic for Smith-Lemli-Opitz syndrome.

Laboratory for Molecular Medicine, Mass General Brigham Personalized Medicine
Classification: Pathogenic for Smith-Lemli-Opitz syndrome. Last evaluated: 2014-11-25. Review status: criteria provided, single submitter. Criteria: LMM Criteria. Collection method: clinical testing. Allele origin: germline. Inheritance: Autosomal recessive inheritance. Observed: 2 variant alleles.
Comment: The p.Trp151X (NM_001360.2 c.452G>A) variant in DHCR7 has been reported in sever al individuals with Smith-Lemli-Opitz syndrome. Most of these individuals were c ompound heterozygous for the variant (Fitzky 1998, Correa-Cerro 2005). This vari ant has also been reported in ClinVar (Variation ID#21273), as pathogenic by mul tiple laboratories. It has been identified in 0.13% (174/125,000) of European c hromosomes by the Genome Aggregation Database (gnomAD; dbSNP rs11555217). Although this variant has been seen in the general p opulation, its frequency is low enough to be consistent with a recessive carrier frequency. This nonsense variant leads to a premature termination codon at posi tion 151 which is predicted to lead to a truncated or absent protein. Biallelic loss of function of the DHCR7 gene is associated with Smith-Lemli-Opitz syndrome . In summary, this variant meets our criteria to be classified as pathogenic f or Smith-Lemli-Opitz syndrome in an autosomal recessive manner based on its occu rrence in individuals with this disease and a predicted null effect.

Courtagen Diagnostics Laboratory, Courtagen Life Sciences
Classification: Pathogenic for Smith-Lemli-Opitz syndrome. Last evaluated: 2014-09-30. Review status: criteria provided, single submitter. Criteria: Courtagen Life Sciences Classifications. Collection method: clinical testing. Allele origin: germline. Affected: yes.

Centre for Mendelian Genomics, University Medical Centre Ljubljana
Classification: Pathogenic for 2-3 toe syndactyly; Primary microcephaly; Elevated circulating 7-dehydrocholesterol concentration; Small for gestational age. Last evaluated: 2013-12-20. Review status: criteria provided, single submitter. Criteria: ACMG Guidelines, 2015. Collection method: clinical testing. Allele origin: unknown. Affected: yes.

ARUP Laboratories, Molecular Genetics and Genomics, ARUP Laboratories
Classification: Pathogenic for Smith-Lemli-Opitz syndrome. Review status: criteria provided, single submitter. Criteria: ARUP Molecular Germline Variant Investigation Process 2024. Collection method: clinical testing. Allele origin: germline.
Comment: The DHCR7 c.452G>A; p.Trp151Ter variant (rs11555217, ClinVar Variation ID: 21273) is one of the most common variants in individuals affected with Smith-Lemli-Opitz syndrome (Correa-Cerro 2005, Fitzky 1998, Lazarin 2017, Loffler 2000, Waterham 2012) and is associated with a severe phenotype (Nowaczyk 2020, Witsch-Baumgartner 2000). This variant is found in the non-Finnish European population with an allele frequency of 0.14% (181/127446 alleles) in the Genome Aggregation Database (v2.1.1). This variant induces an early termination codon and is predicted to result in a truncated protein or mRNA subject to nonsense-mediated decay. Based on available information, this variant is considered to be pathogenic. References: Correa-Cerro LS et al. 3beta-hydroxysterol Delta7-reductase and the Smith-Lemli-Opitz syndrome. Mol Genet Metab. 2005 Feb;84(2):112-26. PMID: 15670717 Fitzky BU et al.Mutations in the Delta7-sterol reductase gene in patients with the Smith-Lemli-Opitz syndrome. Proc Natl Acad Sci U S A. 1998 Jul 7;95(14):8181-6. PMID: 9653161 Loffler J et al. Homozygosity for the W151X stop mutation in the delta7-sterol reductase gene (DHCR7) causing a lethal form of Smith-Lemli-Opitz syndrome: retrospective molecular diagnosis. Am J Med Genet. 2000 Nov 13;95(2):174-7. PMID: 11078571 Lazarin GA et al. Smith-Lemli-Opitz syndrome carrier frequency and estimates of in utero mortality rates. Prenat Diagn. 2017 Apr;37(4):350-355. PMID: 28166604 Nowaczyk MJM et al. Smith-Lemli-Opitz Syndrome. 1998 Nov 13 [Updated 2020 Jan 30]. In: Adam MP, Feldman J, Mirzaa GM, et al., editors. GeneReviewsÂ® [Internet]. Seattle (WA): University of Washington, Seattle; 1993â€“2025. Available from an online resource Waterham HR et al. Mutational spectrum of Smith-Lemli-Opitz syndrome. Am J Med Genet C Semin Med Genet. 2012 Nov 15;160C(4):263-84. PMID: 23042628 Witsch-Baumgartner M et al. Mutational spectrum in the Delta7-sterol reductase gene and genotype-phenotype correlation in 84 patients with Smith-Lemli-Opitz syndrome. Am J Hum Genet. 2000 Feb;66(2):402-12. PMID: 10677299

Department Of Human Genetics, Institute Of Clinical And Translational Research, Biomedical Research Center, Slovak Academy Of Sciences
Classification: Pathogenic for Smith-Lemli-Opitz syndrome. Review status: criteria provided, single submitter. Criteria: ACMG Guidelines, 2015. Collection method: research. Allele origin: germline. Inheritance: Autosomal recessive inheritance. Affected: yes.
Comment: The second variant was NM_001360.3:c.92G>A (p.Arg31His)

Kariminejad - Najmabadi Pathology & Genetics Center
Classification: Pathogenic for Smith-Lemli-Opitz syndrome. Review status: criteria provided, single submitter. Criteria: ACMG Guidelines, 2015. Collection method: clinical testing. Allele origin: germline. Affected: no.

Division of Human Genetics, Children's Hospital of Philadelphia
Classification: Pathogenic for Smith-Lemli-Opitz syndrome. Last evaluated: 2015-05-07. Review status: no assertion criteria provided. Collection method: research. Allele origin: maternal. Affected: yes. Study: CSER-PediSeq. Not counted in ClinVar's aggregate classification.
Comment: The heterozygous variant in the DHCR7 gene (c.452G>A; p.Trp151Term) is considered pathogenic as this variant has been previously published in multiple affected individuals and is the third most common DHCR7 mutation (Correa-Cerro et al. 2013; PMID: 15670717; Witsch-Baumgartner et al. 200; PMID: 10677299; Löffler et al 2000, PMID: 11078571).

Diagnostic Laboratory, Department of Genetics, University Medical Center Groningen
Classification: Pathogenic for Smith-Lemli-Opitz syndrome. Review status: no assertion criteria provided. Collection method: clinical testing. Allele origin: germline. Affected: yes. Study: VKGL Data-share Consensus. Not counted in ClinVar's aggregate classification.

GeneReviews
No classification provided. Condition: Smith-Lemli-Opitz syndrome. Review status: no classification provided. Collection method: literature only. Allele origin: unknown. Not counted in ClinVar's aggregate classification.

Laboratory of Diagnostic Genome Analysis, Leiden University Medical Center (LUMC)
Classification: Pathogenic. Review status: no assertion criteria provided. Collection method: clinical testing. Allele origin: germline. Affected: yes. Study: VKGL Data-share Consensus. Not counted in ClinVar's aggregate classification.

Literature cited by the submitters: PubMed 10677299 (cited by 7 submitters); PubMed 20556518 (cited by 3 submitters); PubMed 11078571 (cited by 10 submitters); PubMed 9634533 (cited by Labcorp Genetics (formerly Invitae), Labcorp); PubMed 9653161 (cited by 11 submitters); PubMed 11175299 (cited by 5 submitters); PubMed 15521979 (cited by 6 submitters); PubMed 16497572 (cited by 4 submitters); PubMed 17965227 (cited by 5 submitters); PubMed 19390132 (cited by 5 submitters); PubMed 15805162 (cited by 4 submitters); PubMed 10995508 (cited by 3 submitters); PubMed 22975760 (cited by Mayo Clinic Laboratories, Mayo Clinic and Ambry Genetics); PubMed 23293579 (cited by Mayo Clinic Laboratories, Mayo Clinic and Women's Health and Genetics/Laboratory Corporation of America, LabCorp); PubMed 25525159 (cited by Mayo Clinic Laboratories, Mayo Clinic); PubMed 28250423 (cited by Mayo Clinic Laboratories, Mayo Clinic); PubMed 29165578 (cited by Mayo Clinic Laboratories, Mayo Clinic); PubMed 39591895 (cited by Mayo Clinic Laboratories, Mayo Clinic); PubMed 27415407 (cited by Ambry Genetics); PubMed 28166604 (cited by Ambry Genetics); PubMed 33223529 (cited by Hadassah Hebrew University Medical Center); PubMed 20301322 (cited by Illumina Laboratory Services, Illumina and GeneReviews); PubMed 15670717 (cited by Illumina Laboratory Services, Illumina and Division of Human Genetics, Children's Hospital of Philadelphia); NCBI Bookshelf NBK1143 (cited by GeneReviews).